The following is an entry in ClinVar:

ClinVar aggregate classification (germline): Uncertain significance. Review status: criteria provided, multiple submitters, no conflicts (2 of 4 stars). 2 submissions from 2 submitters: Uncertain significance (2). Last evaluated 2023-07-10.

Allele frequency attached by ClinVar (database versions not stated): gnomAD 0.00002; gnomAD exomes 0.00003; TOPMed 0.00003; ExAC 0.00007.
gnomAD v4.1: 37 of 1,548,782 alleles (0.0024%); highest among the groups gnomAD compares: South Asian, 0.0048%; no homozygotes.

Submissions (2):

Labcorp Genetics (formerly Invitae), Labcorp
Classification: Uncertain significance. Last evaluated: 2023-07-10. Review status: criteria provided, single submitter. Criteria: Invitae Variant Classification Sherloc (09022015). Collection method: clinical testing. Allele origin: germline.
Comment: This sequence change replaces arginine, which is basic and polar, with histidine, which is basic and polar, at codon 579 of the PDZD7 protein (p.Arg579His). This variant is present in population databases (rs757223602, gnomAD 0.01%). This variant has not been reported in the literature in individuals affected with PDZD7-related conditions. ClinVar contains an entry for this variant (Variation ID: 1417197). Advanced modeling of protein sequence and biophysical properties (such as structural, functional, and spatial information, amino acid conservation, physicochemical variation, residue mobility, and thermodynamic stability) performed at Invitae indicates that this missense variant is not expected to disrupt PDZD7 protein function. In summary, the available evidence is currently insufficient to determine the role of this variant in disease. Therefore, it has been classified as a Variant of Uncertain Significance.

Blueprint Genetics
Classification: Uncertain significance. Last evaluated: 2019-05-08. Review status: criteria provided, single submitter. Criteria: ACMG Guidelines, 2015. Collection method: clinical testing. Allele origin: germline.

NM_001195263.2(PDZD7):c.1736G>A (p.Arg579His)

Gene: PDZD7 (PDZ domain containing 7; minus strand). Cytogenetic location: 10q24.31.
Variant type: single nucleotide variant.
Coding change: c.1736G>A on transcript NM_001195263.2 (MANE Select); coding-DNA position 1736, G replaced by A.
Protein change: p.Arg579His; replaces arginine 579 with histidine.
Molecular consequence: missense variant.
Genome position (GRCh38, 1-based): chr10:101,015,649, C>T on the plus strand (G>A on the coding strand, the complement: PDZD7 is on the minus strand). VCF-style: chr10-101015649-C-T. GRCh37 (hg19) VCF-style: chr10-102775406-C-T.
Other names: short protein forms R579H.
Identifiers: ClinVar variation 1417197 (VCV001417197.9), dbSNP rs757223602, ClinGen allele CA5654042.